The following is an entry in ClinVar:

ClinVar aggregate classification (germline): Uncertain significance (1 of 4 stars; one submission).

Conditions:
Familial hemiplegic migraine. Identifiers: MedGen C0338484, MONDO:0000700.

Submission:

Labcorp Genetics (formerly Invitae), Labcorp
Classification: Uncertain significance for Familial hemiplegic migraine. Last evaluated: 2024-03-22. Review status: criteria provided, single submitter. Criteria: Invitae Variant Classification Sherloc (09022015). Collection method: clinical testing. Allele origin: germline.
Comment: This sequence change replaces alanine, which is neutral and non-polar, with proline, which is neutral and non-polar, at codon 453 of the ATP1A2 protein (p.Ala453Pro). This variant is not present in population databases (gnomAD no frequency). This variant has not been reported in the literature in individuals affected with ATP1A2-related conditions. Advanced modeling of protein sequence and biophysical properties (such as structural, functional, and spatial information, amino acid conservation, physicochemical variation, residue mobility, and thermodynamic stability) performed at Invitae indicates that this missense variant is expected to disrupt ATP1A2 protein function with a positive predictive value of 80%. In summary, the available evidence is currently insufficient to determine the role of this variant in disease. Therefore, it has been classified as a Variant of Uncertain Significance.

NM_000702.4(ATP1A2):c.1357G>C (p.Ala453Pro)

Gene: ATP1A2 (ATPase Na+/K+ transporting subunit alpha 2; plus strand). Cytogenetic location: 1q23.2.
Variant type: single nucleotide variant.
Coding change: c.1357G>C on transcript NM_000702.4 (MANE Select); coding-DNA position 1357, G replaced by C.
Protein change: p.Ala453Pro; replaces alanine 453 with proline.
Molecular consequence: missense variant.
Genome position (GRCh38, 1-based): chr1:160,129,296, G>C. VCF-style: chr1-160129296-G-C. GRCh37 (hg19) VCF-style: chr1-160099086-G-C.
Other names: short protein forms A453P.
Identifiers: ClinVar variation 3646071 (VCV003646071.2).